The following is an entry in ClinVar:

NM_020632.3(ATP6V0A4):c.1510C>T (p.Gln504Ter)

Gene: ATP6V0A4 (ATPase H+ transporting V0 subunit a4; minus strand). Cytogenetic location: 7q34.
Variant type: single nucleotide variant.
Coding change: c.1510C>T on transcript NM_020632.3 (MANE Select); coding-DNA position 1510, C replaced by T.
Protein change: p.Gln504Ter; replaces glutamine 504 with a stop codon.
Molecular consequence: nonsense.
Genome position (GRCh38, 1-based): chr7:138,739,602, G>A on the plus strand (C>T on the coding strand, the complement: ATP6V0A4 is on the minus strand). VCF-style: chr7-138739602-G-A. GRCh37 (hg19) VCF-style: chr7-138424347-G-A.
Other names: c.1510C>T, p.Gln504Ter (NM_130840.3, NM_130841.3); short protein forms Q504*.
Identifiers: ClinVar variation 1802247 (VCV001802247.3), dbSNP rs2485855824, ClinGen allele CA369370311.

ClinVar aggregate classification (germline): Pathogenic (1 of 4 stars; one submission).

Conditions:
Renal tubular acidosis, distal, 3, with or without sensorineural hearing loss (DRTA3). Identifiers: MedGen C5399980, MONDO:0011268, OMIM 602722.

Submission:

Diagnostics Services (NGS), CSIR - Centre For Cellular And Molecular Biology
Classification: Pathogenic for Renal tubular acidosis, distal, 3, with or without sensorineural hearing loss. Last evaluated: 2022-09-07. Review status: criteria provided, single submitter. Criteria: ACMG Guidelines, 2015. Collection method: clinical testing. Allele origin: unknown. Affected: yes. Observed: 1 variant allele, 1 homozygote.
Comment: The c.1510C>T variant is not present in publicly available population databases like 1000 Genomes, EVS, ExAC, Indian Exome Database or our in-house exome database. The variant has neither been published in literature nor reported to clinical databases like ClinVar, Human Genome Mutation Database (HGMD) or OMIM, in affected individuals. In-silico pathogenicity prediction programs like MutationTaster2, CADD, Varsome, Franklin etc. predicted this variant to be likely deleterious. The variant creates a premature stop signal at the 504th amino acid position that may either result in translation of a truncated protein or cause nonsense mediated decay of the mRNA.